The following is an entry in ClinVar:

ClinVar aggregate classification (germline): Uncertain significance (1 of 4 stars; one submission).

Submission:

Labcorp Genetics (formerly Invitae), Labcorp
Classification: Uncertain significance. Last evaluated: 2024-05-07. Review status: criteria provided, single submitter. Criteria: Invitae Variant Classification Sherloc (09022015). Collection method: clinical testing. Allele origin: germline.
Comment: This sequence change replaces asparagine, which is neutral and polar, with serine, which is neutral and polar, at codon 63 of the POLR3F protein (p.Asn63Ser). The frequency data for this variant in the population databases is considered unreliable, as metrics indicate poor data quality at this position in the gnomAD database. This variant has not been reported in the literature in individuals affected with POLR3F-related conditions. Experimental studies and prediction algorithms are not available or were not evaluated, and the functional significance of this variant is currently unknown. In summary, the available evidence is currently insufficient to determine the role of this variant in disease. Therefore, it has been classified as a Variant of Uncertain Significance.

NM_006466.4(POLR3F):c.311A>G (p.Asn104Ser)

Gene: POLR3F (RNA polymerase III subunit F; plus strand). Cytogenetic location: 20p11.23.
Variant type: single nucleotide variant.
Coding change: c.311A>G on transcript NM_006466.4 (MANE Select); coding-DNA position 311, A replaced by G.
Protein change: p.Asn104Ser; replaces asparagine 104 with serine.
Molecular consequence: missense variant. On other transcripts: non-coding transcript variant (1).
Genome position (GRCh38, 1-based): chr20:18,473,453, A>G. VCF-style: chr20-18473453-A-G. GRCh37 (hg19) VCF-style: chr20-18454097-A-G.
Other names: c.188A>G, p.Asn63Ser (NM_001282526.2); c.311A>G, p.Asn104Ser (NM_001410821.1); short protein forms N104S, N63S.
Identifiers: ClinVar variation 3698347 (VCV003698347.2).